The following is an entry in ClinVar:

NM_174936.4(PCSK9):c.454C>G (p.Gln152Glu)

Gene: PCSK9 (proprotein convertase subtilisin/kexin type 9; plus strand). Cytogenetic location: 1p32.3.
Variant type: single nucleotide variant.
Coding change: c.454C>G on transcript NM_174936.4 (MANE Select); coding-DNA position 454, C replaced by G.
Protein change: p.Gln152Glu; replaces glutamine 152 with glutamic acid.
Molecular consequence: missense variant. On other transcripts: non-coding transcript variant (6), intron variant (1).
Genome position (GRCh38, 1-based): chr1:55,046,577, C>G. VCF-style: chr1-55046577-C-G. GRCh37 (hg19) VCF-style: chr1-55512250-C-G.
Other names: c.577C>G, p.Gln193Glu (NM_001407240.1); c.454C>G, p.Gln152Glu (NM_001407241.1, NM_001407242.1, NM_001407244.1 and 1 more transcripts); c.262C>G, p.Gln88Glu (NM_001407245.1); c.79C>G, p.Gln27Glu (NM_001407246.1); c.400-3C>G (NM_001407243.1); short protein forms Q152E, Q193E, Q27E, Q88E.
Identifiers: ClinVar variation 3072979 (VCV003072979.1), dbSNP rs2523195710, ClinGen allele CA340484663.
Genomic context (GRCh38, chr1:55,046,577, plus strand): 5'-CTGCAGGCCTTGAAGTTGCCCCATGTCGACTACATCGAGGAGGACTCCTCTGTCTTTGCC[C>G]AGAGCATCCCGTGGAACCTGGAGCGGATTACCCCTCCACGGTACCGGGCGGATGAATACC-3'
Protein context (NP_777596.2, residues 142-162): YIEEDSSVFA[Gln152Glu]SIPWNLERIT

ClinVar aggregate classification (germline): Uncertain significance (1 of 4 stars; one submission).

Conditions:
Hypercholesterolemia, autosomal dominant, 3 (FHCL3). Also called: Familial Hypercholesterolemia, Autosomal Dominant, 3; PCSK9-Related Familial Hypercholesterolemia, Autosomal Dominant; Familial hypercholesterolemia 3. Identifiers: MedGen C1863551, MONDO:0011369, OMIM 603776.

Submission:

All of Us Research Program, National Institutes of Health
Classification: Uncertain significance for Hypercholesterolemia, autosomal dominant, 3. Last evaluated: 2023-08-15. Review status: criteria provided, single submitter. Criteria: ACMG Guidelines, 2015. Collection method: clinical testing. Allele origin: germline. Inheritance: Autosomal dominant inheritance. Observed: 1 variant allele, 1 heterozygote.
Comment: This missense variant replaces glutamine with glutamic acid at codon 152 of the PCSK9 protein. Computational prediction suggests that this variant may not impact protein structure and function (internally defined REVEL score threshold <= 0.5, PMID: 27666373). To our knowledge, functional studies have not been reported for this variant. This variant has not been reported in individuals affected with PCSK9-related disorders in the literature. This variant has not been identified in the general population by the Genome Aggregation Database (gnomAD). The available evidence is insufficient to determine the role of this variant in disease conclusively. Therefore, this variant is classified as a Variant of Uncertain Significance.

This study involves interpretation of variants in research participants for the purpose of population health screening. Participant phenotype was not available at the time of variant classification. Additional details can be found in publication PMID: 35346344, PMCID: PMC8962531